The following is an entry in ClinVar:

ClinVar aggregate classification (germline): Uncertain significance (1 of 4 stars; one submission).

Conditions:
Malignant hyperthermia, susceptibility to, 5 (MHS5). Also called: CACNA1S-Related Malignant Hyperthermia Susceptibility. Identifiers: Orphanet 423, MedGen C1866077, MONDO:0011163, OMIM 601887.

Submission:

Color Diagnostics, LLC DBA Color Health
Classification: Uncertain significance for Malignant hyperthermia, susceptibility to, 5. Last evaluated: 2025-08-14. Review status: criteria provided, single submitter. Criteria: ACMG Guidelines, 2015. Collection method: clinical testing. Allele origin: germline.
Comment: This missense variant replaces leucine with methionine at codon 522 of the CACNA1S protein. Computational prediction is inconclusive regarding the impact of this variant on protein structure and function. To our knowledge, functional studies have not been reported for this variant. This variant has not been reported in individuals affected with CACNA1S-related disorders in the literature. This variant has not been identified in the general population by the Genome Aggregation Database (gnomAD). The available evidence is insufficient to determine the role of this variant in disease conclusively. Therefore, this variant is classified as a Variant of Uncertain Significance.

NM_000069.3(CACNA1S):c.1564C>A (p.Leu522Met)

Gene: CACNA1S (calcium voltage-gated channel subunit alpha1 S; minus strand). Cytogenetic location: 1q32.1.
Variant type: single nucleotide variant.
Coding change: c.1564C>A on transcript NM_000069.3 (MANE Select); coding-DNA position 1564, C replaced by A.
Protein change: p.Leu522Met; replaces leucine 522 with methionine.
Molecular consequence: missense variant.
Genome position (GRCh38, 1-based): chr1:201,077,934, G>T on the plus strand (C>A on the coding strand, the complement: CACNA1S is on the minus strand). VCF-style: chr1-201077934-G-T. GRCh37 (hg19) VCF-style: chr1-201047062-G-T.
Other names: short protein forms L522M.
Identifiers: ClinVar variation 4757961 (VCV004757961.1).